The following is an entry in ClinVar:

NM_000038.6(APC):c.56A>C (p.Glu19Ala)

Gene: APC (APC regulator of Wnt signaling pathway; plus strand). Cytogenetic location: 5q22.2.
Variant type: single nucleotide variant.
Coding change: c.56A>C on transcript NM_000038.6 (MANE Select); coding-DNA position 56, A replaced by C.
Protein change: p.Glu19Ala; replaces glutamic acid 19 with alanine.
Molecular consequence: missense variant. On other transcripts: 5 prime UTR variant (1), intron variant (8).
Genome position (GRCh38, 1-based): chr5:112,754,946, A>C. VCF-style: chr5-112754946-A-C. GRCh37 (hg19) VCF-style: chr5-112090643-A-C.
Other names: c.56A>C, p.Glu19Ala (NM_001127510.3, NM_001354895.2, NM_001354896.2 and 2 more transcripts); c.-980A>C (NM_001354906.2); c.166-11380A>C (NM_001354897.2, NM_001354902.2, NM_001127511.3); c.61-11380A>C (NM_001354898.2, NM_001354904.2); c.-42-11380A>C (NM_001354900.2, NM_001354901.2, NM_001354905.2); short protein forms E19A.
Identifiers: ClinVar variation 855303 (VCV000855303.12), dbSNP rs1754787233, ClinGen allele CA16021461.
Genomic context (GRCh38, chr5:112,754,946, plus strand): 5'-CAAGGATGGCTGCAGCTTCATATGATCAGTTGTTAAAGCAAGTTGAGGCACTGAAGATGG[A>C]GAACTCAAATCTTCGACAAGAGCTAGAAGATAATTCCAATCATCTTACAAAACTGGAAAC-3'
Protein context (NP_000029.2, residues 9-29): LLKQVEALKM[Glu19Ala]NSNLRQELED

ClinVar aggregate classification (germline): Uncertain significance. Review status: criteria provided, multiple submitters, no conflicts (2 of 4 stars). 2 submissions from 2 submitters: Uncertain significance (2). Last evaluated 2025-04-14.

Conditions:
Familial adenomatous polyposis 1 (FAP1). Also called: POLYPOSIS, ADENOMATOUS INTESTINAL; FAMILIAL ADENOMATOUS POLYPOSIS 1, ATTENUATED. Identifiers: MedGen C2713442, MONDO:0021056, OMIM 175100. Disease mechanism: loss of function.
Hereditary cancer-predisposing syndrome. Also called: Neoplastic Syndromes, Hereditary; Hereditary Cancer Syndrome; Tumor predisposition; Hereditary neoplastic syndrome. Identifiers: Orphanet 140162, MedGen C0027672, MeSH D009386, MONDO:0015356.

Submissions (2):

Ambry Genetics
Classification: Uncertain significance for Hereditary cancer-predisposing syndrome. Last evaluated: 2025-04-14. Review status: criteria provided, single submitter. Criteria: Ambry Variant Classification Scheme 2023. Collection method: clinical testing. Allele origin: germline.
Comment: The p.E19A variant (also known as c.56A>C), located in coding exon 1 of the APC gene, results from an A to C substitution at nucleotide position 56. The glutamic acid at codon 19 is replaced by alanine, an amino acid with dissimilar properties. This amino acid position is highly conserved in available vertebrate species. In addition, in silico predictors for this gene do not accurately predict pathogenicity. Missense alterations in APC are not a common cause of disease (Spier I et al. Genet Med. 2024 Feb;26(2):100992). Based on the available evidence, the clinical significance of this variant remains unclear.

Labcorp Genetics (formerly Invitae), Labcorp
Classification: Uncertain significance for Familial adenomatous polyposis 1. Last evaluated: 2019-02-24. Review status: criteria provided, single submitter. Criteria: Invitae Variant Classification Sherloc (09022015). Collection method: clinical testing. Allele origin: germline.
Comment: In summary, the available evidence is currently insufficient to determine the role of this variant in disease. Therefore, it has been classified as a Variant of Uncertain Significance. Algorithms developed to predict the effect of missense changes on protein structure and function are either unavailable or do not agree on the potential impact of this missense change (SIFT: "Tolerated"; PolyPhen-2: "Possibly Damaging"; Align-GVGD: "Class C0"). This variant has not been reported in the literature in individuals with APC-related conditions. This variant is not present in population databases (ExAC no frequency). This sequence change replaces glutamic acid with alanine at codon 19 of the APC protein (p.Glu19Ala). The glutamic acid residue is highly conserved and there is a moderate physicochemical difference between glutamic acid and alanine.